The following is an entry in ClinVar:

ClinVar aggregate classification (germline): Uncertain significance. Review status: criteria provided, multiple submitters, no conflicts (2 of 4 stars). 2 submissions from 2 submitters: Uncertain significance (2). Last evaluated 2025-12-09.

Conditions:
Multiple endocrine neoplasia, type 2 (MEN2). Identifiers: Orphanet 653, MedGen C4048306, MONDO:0019003. Disease mechanism: gain of function.
Hereditary cancer-predisposing syndrome. Also called: Tumor predisposition; Hereditary neoplastic syndrome; Neoplastic Syndromes, Hereditary; Hereditary Cancer Syndrome. Identifiers: Orphanet 140162, MedGen C0027672, MeSH D009386, MONDO:0015356.

gnomAD v4.1: 3 of 1,613,818 alleles (0.00019%); highest among the groups gnomAD compares: Non-Finnish European, 0.00025%; no homozygotes.

Submissions (2):

Labcorp Genetics (formerly Invitae), Labcorp
Classification: Uncertain significance for Multiple endocrine neoplasia, type 2. Last evaluated: 2025-12-09. Review status: criteria provided, single submitter. Criteria: Invitae Variant Classification Sherloc (09022015). Collection method: clinical testing. Allele origin: germline.
Comment: This sequence change replaces threonine, which is neutral and polar, with asparagine, which is neutral and polar, at codon 338 of the RET protein (p.Thr338Asn). This variant is not present in population databases (gnomAD no frequency). This variant has not been reported in the literature in individuals affected with RET-related conditions. ClinVar contains an entry for this variant (Variation ID: 859730). An algorithm developed to predict the effect of missense changes on protein structure and function (PolyPhen-2) suggests that this variant is likely to be disruptive. In summary, the available evidence is currently insufficient to determine the role of this variant in disease. Therefore, it has been classified as a Variant of Uncertain Significance.

Ambry Genetics
Classification: Uncertain significance for Hereditary cancer-predisposing syndrome. Last evaluated: 2024-05-13. Review status: criteria provided, single submitter. Criteria: Ambry Variant Classification Scheme 2023. Collection method: clinical testing. Allele origin: germline.
Comment: The p.T338N variant (also known as c.1013C>A), located in coding exon 5 of the RET gene, results from a C to A substitution at nucleotide position 1013. The threonine at codon 338 is replaced by asparagine, an amino acid with similar properties. This amino acid position is well conserved in available vertebrate species. In addition, this alteration is predicted to be tolerated by in silico analysis. Based on the available evidence, the clinical significance of this variant remains unclear.

NM_020975.6(RET):c.1013C>A (p.Thr338Asn)

Gene: RET (ret proto-oncogene; plus strand). Cytogenetic location: 10q11.21.
Variant type: single nucleotide variant.
Coding change: c.1013C>A on transcript NM_020975.6 (MANE Select); coding-DNA position 1013, C replaced by A.
Protein change: p.Thr338Asn; replaces threonine 338 with asparagine.
Molecular consequence: missense variant.
Genome position (GRCh38, 1-based): chr10:43,106,521, C>A. VCF-style: chr10-43106521-C-A. GRCh37 (hg19) VCF-style: chr10-43601969-C-A.
Other names: c.1013C>A, p.Thr338Asn (NM_000323.2, NM_001406743.1, NM_001406744.1 and 6 more transcripts); c.251C>A, p.Thr84Asn (NM_001355216.2); c.884C>A, p.Thr295Asn (NM_001406761.1, NM_001406762.1, NM_001406764.1 and 1 more transcripts); c.725C>A, p.Thr242Asn (NM_001406766.1, NM_001406767.1, NM_001406770.1); short protein forms T338N, T84N, T242N, T295N.
Identifiers: ClinVar variation 859730 (VCV000859730.11), dbSNP rs377767433, ClinGen allele CA206257504.